The following is an entry in ClinVar:

ClinVar aggregate classification (germline): Pathogenic. Review status: criteria provided, multiple submitters, no conflicts (2 of 4 stars). 2 submissions from 2 submitters: Pathogenic (2). Last evaluated 2023-06-15.

Conditions:
Hereditary diffuse gastric adenocarcinoma (HDGC). Also called: DIFFUSE GASTRIC AND LOBULAR BREAST CANCER SYNDROME. Identifiers: Orphanet 26106, MedGen C1708349, MONDO:0007648, OMIM 137215.

Submissions (2):

Myriad Genetics, Inc.
Classification: Pathogenic for Hereditary diffuse gastric adenocarcinoma. Last evaluated: 2023-06-15. Review status: criteria provided, single submitter. Criteria: Myriad Autosomal Dominant, Autosomal Recessive and X-Linked Classification Criteria (2023). Collection method: clinical testing. Allele origin: unknown.
Comment: This variant is considered pathogenic. This variant creates a frameshift predicted to result in premature protein truncation.

European Reference Network on Genetic Tumour Risk Syndromes (ERN-GENTURIS), i3s - Instituto de Investigação e Inovação em Saúde, University of Porto
Classification: Pathogenic for Hereditary diffuse gastric adenocarcinoma. Last evaluated: 2022-08-01. Review status: criteria provided, single submitter. Criteria: Lee et al. (Hum Mutat. 2018). Collection method: clinical testing. Allele origin: germline. Inheritance: Autosomal dominant inheritance. Affected: yes. Study: ERN GENTURIS.
Comment: PVS1; PS4_Supporting; PM2 (PMID: 30311375)

Literature cited by the submitters: PubMed 36436516 (cited by European Reference Network on Genetic Tumour Risk Syndromes (ERN-GENTURIS), i3s - Instituto de Investigação e Inovação em Saúde, University of Porto).

NM_004360.5(CDH1):c.2114del (p.Leu705fs)

Gene: CDH1 (cadherin 1; plus strand). Cytogenetic location: 16q22.1.
Variant type: Deletion.
Coding change: c.2114del on transcript NM_004360.5 (MANE Select); coding-DNA position 2114, one base deleted (T; older notation c.2114delT).
Protein change: p.Leu705fs; shifts the reading frame from leucine 705.
Molecular consequence: frameshift variant.
Genome position (GRCh38, 1-based): chr16:68,823,576, T deleted; the last of 2 consecutive T bases (chr16:68,823,575-68,823,576); deleting either gives the same sequence. VCF-style (leftmost placement, unchanged base first): chr16-68823574-AT-A. GRCh37 (hg19) VCF-style: chr16-68857477-AT-A.
Other names: c.1931del, p.Leu644fs (NM_001317184.2); c.566del, p.Leu189fs (NM_001317185.2); c.149del, p.Leu50fs (NM_001317186.2); short protein forms L189fs, L50fs, L644fs, L705fs.
Identifiers: ClinVar variation 2502989 (VCV002502989.3), dbSNP rs2543946087, ClinGen allele CA2580612893.